The following is an entry in ClinVar:

ClinVar aggregate classification (germline): Uncertain significance (1 of 4 stars; one submission).

Allele frequency attached by ClinVar (database versions not stated): gnomAD exomes below 0.00001.
gnomAD v4.1: 1 of 1,614,164 alleles (0.000062%); highest among the groups gnomAD compares: Middle Eastern, 0.016%; no homozygotes.

Submission:

Ambry Genetics
Classification: Uncertain significance. Last evaluated: 2022-06-04. Review status: criteria provided, single submitter. Criteria: Ambry Variant Classification Scheme 2023. Collection method: clinical testing. Allele origin: germline.
Comment: The p.G353S variant (also known as c.1057G>A), located in coding exon 3 of the TERF2IP gene, results from a G to A substitution at nucleotide position 1057. The glycine at codon 353 is replaced by serine, an amino acid with similar properties. This amino acid position is conserved. In addition, this alteration is predicted to be tolerated by in silico analysis. Since supporting evidence is limited at this time, the clinical significance of this alteration remains unclear.

NM_018975.4(TERF2IP):c.1057G>A (p.Gly353Ser)

Gene: TERF2IP (TERF2 interacting protein; plus strand). Cytogenetic location: 16q23.1.
Variant type: single nucleotide variant.
Coding change: c.1057G>A on transcript NM_018975.4 (MANE Select); coding-DNA position 1057, G replaced by A.
Protein change: p.Gly353Ser; replaces glycine 353 with serine.
Molecular consequence: missense variant. On other transcripts: non-coding transcript variant (1).
Genome position (GRCh38, 1-based): chr16:75,656,468, G>A. VCF-style: chr16-75656468-G-A. GRCh37 (hg19) VCF-style: chr16-75690366-G-A.
Other names: short protein forms G353S.
Identifiers: ClinVar variation 1778956 (VCV001778956.2), dbSNP rs1205836557, ClinGen allele CA396820169.